The following is an entry in ClinVar:

NM_001122681.2(SH3BP2):c.357+13_357+41del

Gene: SH3BP2 (SH3 domain binding protein 2; plus strand). Cytogenetic location: 4p16.3.
Variant type: Deletion.
Coding change: c.357+13_357+41del on transcript NM_001122681.2 (MANE Select); bases 13 to 41 of the intron after coding-DNA position 357, 29 bases deleted (CCGAGGACGAGTGCAAGGTGACTGGGGGT).
Molecular consequence: splice donor variant.
Genome position (GRCh38, 1-based): chr4:2,824,743-2,824,771, CCGAGGACGAGTGCAAGGTGACTGGGGGT deleted; deleting any 29 consecutive bases within chr4:2,824,726-2,824,771 gives the same sequence; the c. name uses the placement nearest the transcript's 3' end. VCF-style (leftmost placement, unchanged base first): chr4-2824725-CGCAAGGTGACTGGGGGTCCGAGGACGAGT-C. GRCh37 (hg19) VCF-style: chr4-2826452-CGCAAGGTGACTGGGGGTCCGAGGACGAGT-C.
Other names: c.441+13_441+41del (NM_001145855.2); c.528+13_528+41del (NM_001145856.2); c.357+13_357+41del (NM_003023.4).
Identifiers: ClinVar variation 4693731 (VCV004693731.1).

ClinVar aggregate classification (germline): Uncertain significance (1 of 4 stars; one submission).

Conditions:
Fibrous dysplasia of jaw (CRBM). Also called: Cherubism. Identifiers: Orphanet 184, MedGen C0008029, MONDO:0007315, OMIM 118400.

Submission:

Labcorp Genetics (formerly Invitae), Labcorp
Classification: Uncertain significance for Fibrous dysplasia of jaw. Last evaluated: 2026-01-26. Review status: criteria provided, single submitter. Criteria: Invitae Variant Classification Sherloc (09022015). Collection method: clinical testing. Allele origin: germline.
Comment: This sequence change falls in intron 4 of the SH3BP2 gene. It does not directly change the encoded amino acid sequence of the SH3BP2 protein. The frequency data for this variant in the population databases is considered unreliable, as metrics indicate poor data quality at this position in the gnomAD database. This variant has not been reported in the literature in individuals affected with SH3BP2-related conditions. In summary, the available evidence is currently insufficient to determine the role of this variant in disease. Therefore, it has been classified as a Variant of Uncertain Significance.